The following is an entry in ClinVar:

NM_001276345.2(TNNT2):c.295-11T>A

Gene: TNNT2 (troponin T2, cardiac type; minus strand). Cytogenetic location: 1q32.1.
Variant type: single nucleotide variant.
Coding change: c.295-11T>A on transcript NM_001276345.2 (MANE Select); 11 bases into the intron before coding-DNA position 295, T replaced by A.
Molecular consequence: intron variant.
Genome position (GRCh38, 1-based): chr1:201,365,318, A>T on the plus strand (T>A on the coding strand, the complement: TNNT2 is on the minus strand). VCF-style: chr1-201365318-A-T. GRCh37 (hg19) VCF-style: chr1-201334446-A-T.
Other names: c.265-11T>A (NM_001406727.1, NM_001406724.1, NM_001001431.3 and 3 more transcripts); c.250-11T>A (NM_001001432.3, NM_001406728.1); c.262-11T>A (NM_001406725.1); c.291+292T>A (NM_001276346.2); c.295-11T>A (NM_000364.4, NM_001406723.1).
Identifiers: ClinVar variation 2953476 (VCV002953476.3), dbSNP rs1329180923, ClinGen allele CA2740090306.

ClinVar aggregate classification (germline): Uncertain significance (1 of 4 stars; one submission).

Conditions:
Hypertrophic cardiomyopathy 2. Also called: TNNT2-Related Familial Hypertrophic Cardiomyopathy. Identifiers: MedGen C1861864, MONDO:0007266, OMIM 115195.
Dilated cardiomyopathy 1D. Identifiers: Orphanet 154, Orphanet 54260, MedGen C1832243, MONDO:0011095, OMIM 601494.
Cardiomyopathy, familial restrictive, 3. Identifiers: Orphanet 75249, MedGen C2676271, MONDO:0012900, OMIM 612422.

Submission:

Labcorp Genetics (formerly Invitae), Labcorp
Classification: Uncertain significance for Cardiomyopathy, familial restrictive, 3; Hypertrophic cardiomyopathy 2; Dilated cardiomyopathy 1D. Last evaluated: 2023-11-15. Review status: criteria provided, single submitter. Criteria: Invitae Variant Classification Sherloc (09022015). Collection method: clinical testing. Allele origin: germline.
Comment: This sequence change falls in intron 8 of the TNNT2 gene. It does not directly change the encoded amino acid sequence of the TNNT2 protein. This variant is not present in population databases (gnomAD no frequency). This variant has not been reported in the literature in individuals affected with TNNT2-related conditions. Algorithms developed to predict the effect of sequence changes on RNA splicing suggest that this variant may disrupt the consensus splice site. In summary, the available evidence is currently insufficient to determine the role of this variant in disease. Therefore, it has been classified as a Variant of Uncertain Significance.